The following is an entry in ClinVar:

NM_006767.4(LZTR1):c.2137A>G (p.Met713Val)

Gene: LZTR1 (leucine zipper like post translational regulator 1; plus strand). Cytogenetic location: 22q11.21.
Variant type: single nucleotide variant.
Coding change: c.2137A>G on transcript NM_006767.4 (MANE Select); coding-DNA position 2137, A replaced by G.
Protein change: p.Met713Val; replaces methionine 713 with valine.
Molecular consequence: missense variant.
Genome position (GRCh38, 1-based): chr22:20,996,030, A>G. VCF-style: chr22-20996030-A-G. GRCh37 (hg19) VCF-style: chr22-21350319-A-G.
Other names: short protein forms M713V.
Identifiers: ClinVar variation 1414798 (VCV001414798.14), dbSNP rs1400606234, ClinGen allele CA410779523.

ClinVar aggregate classification (germline): Uncertain significance. Review status: criteria provided, multiple submitters, no conflicts (2 of 4 stars). 4 submissions from 4 submitters: Uncertain significance (4). Last evaluated 2025-04-17.

Conditions:
Hereditary cancer-predisposing syndrome. Also called: Hereditary Cancer Syndrome; Tumor predisposition; Hereditary neoplastic syndrome; Neoplastic Syndromes, Hereditary. Identifiers: Orphanet 140162, MedGen C0027672, MeSH D009386, MONDO:0015356.
Cardiovascular phenotype. Identifiers: MedGen CN230736.
Noonan syndrome 2 (NS2). Identifiers: Orphanet 648, MedGen C1854469, MONDO:0011531, OMIM 605275.

Allele frequency attached by ClinVar (database versions not stated): gnomAD exomes below 0.00001.
gnomAD v4.1: 6 of 1,613,598 alleles (0.00037%); highest among the groups gnomAD compares: Non-Finnish European, 0.00051%; no homozygotes.

Submissions (4):

Labcorp Genetics (formerly Invitae), Labcorp
Classification: Uncertain significance. Last evaluated: 2025-04-17. Review status: criteria provided, single submitter. Criteria: Invitae Variant Classification Sherloc (09022015). Collection method: clinical testing. Allele origin: germline.
Comment: This sequence change replaces methionine, which is neutral and non-polar, with valine, which is neutral and non-polar, at codon 713 of the LZTR1 protein (p.Met713Val). This variant is present in population databases (no rsID available, gnomAD 0.0009%). This variant has not been reported in the literature in individuals affected with LZTR1-related conditions. ClinVar contains an entry for this variant (Variation ID: 1414798). Invitae Evidence Modeling of protein sequence and biophysical properties (such as structural, functional, and spatial information, amino acid conservation, physicochemical variation, residue mobility, and thermodynamic stability) indicates that this missense variant is not expected to disrupt LZTR1 protein function with a negative predictive value of 80%. In summary, the available evidence is currently insufficient to determine the role of this variant in disease. Therefore, it has been classified as a Variant of Uncertain Significance.

Ambry Genetics
Classification: Uncertain significance for Cardiovascular phenotype; Hereditary cancer-predisposing syndrome. Last evaluated: 2025-03-22. Review status: criteria provided, single submitter. Criteria: Ambry Variant Classification Scheme 2023. Collection method: clinical testing. Allele origin: germline.

Clinical Genomics Laboratory, Washington University in St. Louis
Classification: Uncertain significance for Noonan syndrome 2. Last evaluated: 2024-11-06. Review status: criteria provided, single submitter. Criteria: ACMG Guidelines, 2015. Collection method: clinical testing. Allele origin: germline.
Comment: An LZTR1 c.2137A>G (p.Met713Val) variant was identified at a near heterozygous allelic fraction of 49.4%, a frequency which may be consistent with it being of germline origin. To our knowledge, this variant has not been reported in the medical literature. The LZTR1 c.2137A>G (p.Met713Val) variant has been reported in the ClinVar database as a germline variant of uncertain significance by three submitters (ClinVar variation ID: 1414798). This variant is only observed on 6/1,613,598 alleles in the general population (gnomAD v.4.1.0), indicating it is not a common variant. Computational predictors are uncertain as to the impact of this variant on LZTR1 function. Due to limited information, and based on ACMG/AMP guidelines for variant interpretation (Richards S et al., PMID: 25741868), the clinical significance of this variant is uncertain at this time.

GeneDx
Classification: Uncertain significance. Last evaluated: 2023-01-26. Review status: criteria provided, single submitter. Criteria: GeneDx Variant Classification Process June 2021. Collection method: clinical testing. Allele origin: germline. Affected: yes.
Comment: Not observed at significant frequency in large population cohorts (gnomAD); In silico analysis supports that this missense variant does not alter protein structure/function; Has not been previously published as pathogenic or benign to our knowledge